The following is an entry in ClinVar:

NM_002382.5(MAX):c.357C>A (p.Asp119Glu)

Gene: MAX (MYC associated transcriptional regulator X; minus strand). Cytogenetic location: 14q23.3.
Variant type: single nucleotide variant.
Coding change: c.357C>A on transcript NM_002382.5 (MANE Select); coding-DNA position 357, C replaced by A.
Protein change: p.Asp119Glu; replaces aspartic acid 119 with glutamic acid.
Molecular consequence: missense variant. On other transcripts: 3 prime UTR variant (12), non-coding transcript variant (7), intron variant (2).
Genome position (GRCh38, 1-based): chr14:65,076,602, G>T on the plus strand (C>A on the coding strand, the complement: MAX is on the minus strand). VCF-style: chr14-65076602-G-T. GRCh37 (hg19) VCF-style: chr14-65543320-G-T.
Other names: c.168C>A, p.Asp56Glu (NM_001320415.2, NM_001407105.1, NM_001407106.1 and 1 more transcripts); c.357C>A, p.Asp119Glu (NM_001407094.1); c.330C>A, p.Asp110Glu (NM_001407095.1, NM_145112.3); c.*130C>A (NM_001407096.1, NM_001407099.1, NM_001407102.1 and 2 more transcripts); c.*146C>A (NM_001407097.1, NM_001407100.1, NM_001407101.1 and 4 more transcripts); c.249C>A, p.Asp83Glu (NM_001407098.1); c.156C>A, p.Asp52Glu (NM_001407111.1, NM_001407112.1); c.144+17106C>A (NM_001271069.2); and 1 more; short protein forms D110E, D119E, D52E, D56E, D83E.
Identifiers: ClinVar variation 2676445 (VCV002676445.2), dbSNP rs1175991420, ClinGen allele CA390031800.

ClinVar aggregate classification (germline): Uncertain significance. Review status: criteria provided, multiple submitters, no conflicts (2 of 4 stars). 2 submissions from 2 submitters: Uncertain significance (2). Last evaluated 2024-03-09.

Conditions:
Hereditary cancer-predisposing syndrome. Also called: Neoplastic Syndromes, Hereditary; Tumor predisposition; Hereditary Cancer Syndrome; Hereditary neoplastic syndrome. Identifiers: Orphanet 140162, MedGen C0027672, MeSH D009386, MONDO:0015356.
Pheochromocytoma. Also called: MAX-Related Hereditary Paraganglioma-Pheochromocytoma Syndrome. Identifiers: Orphanet 29072, MedGen C0031511, MONDO:0008233, OMIM 171300, HP:0002666.

Allele frequency attached by ClinVar (database versions not stated): TOPMed below 0.00001; gnomAD 0.00001.
gnomAD v4.1: 1 of 1,614,054 alleles (0.000062%); highest among the groups gnomAD compares: Non-Finnish European, 0.000085%; no homozygotes.

Submissions (2):

Ambry Genetics
Classification: Uncertain significance for Hereditary cancer-predisposing syndrome. Last evaluated: 2024-03-09. Review status: criteria provided, single submitter. Criteria: Ambry Variant Classification Scheme 2023. Collection method: clinical testing. Allele origin: germline.
Comment: The p.D119E variant (also known as c.357C>A), located in coding exon 5 of the MAX gene, results from a C to A substitution at nucleotide position 357. The aspartic acid at codon 119 is replaced by glutamic acid, an amino acid with highly similar properties. This amino acid position is conserved. In addition, this alteration is predicted to be deleterious by in silico analysis. Based on the available evidence, the clinical significance of this alteration remains unclear.

Baylor Genetics
Classification: Uncertain significance for Pheochromocytoma. Last evaluated: 2023-08-11. Review status: criteria provided, single submitter. Criteria: ACMG Guidelines, 2015. Collection method: clinical testing. Allele origin: unknown.